The following is an entry in ClinVar:

ClinVar aggregate classification (germline): Pathogenic (1 of 4 stars; one submission).

Conditions:
Finnish congenital nephrotic syndrome (NPHS1). Also called: NEPHROTIC SYNDROME, TYPE 1. Identifiers: Orphanet 839, MedGen C0403399, MONDO:0009732, OMIM 256300.

Submission:

Myriad Genetics, Inc.
Classification: Pathogenic for Finnish congenital nephrotic syndrome. Last evaluated: 2026-02-26. Review status: criteria provided, single submitter. Criteria: Myriad Autosomal Dominant, Autosomal Recessive and X-Linked Classification Criteria (2023). Collection method: clinical testing. Allele origin: unknown.
Comment: NM_004646.3(NPHS1):c.537_538delAA(S181*) is a nonsense variant classified as pathogenic in the context of nephrotic syndrome, NPHS1-related. S181* has not been observed in cases with relevant disease. Relevant functional assessments of this variant are not available in the literature. S181* has not been observed in referenced population frequency databases. In summary, NM_004646.3(NPHS1):c.537_538delAA(S181*) is a nonsense variant in a gene where loss of function is a known mechanism of disease and is predicted to disrupt protein function. Please note: this variant was assessed in the context of healthy population screening.

NM_004646.4(NPHS1):c.537_538del (p.Ile180_Ser181insTer)

Gene: NPHS1 (NPHS1 adhesion molecule, nephrin; minus strand). Cytogenetic location: 19q13.12.
Variant type: Deletion.
Coding change: c.537_538del on transcript NM_004646.4 (MANE Select); coding-DNA positions 537 to 538, 2 bases deleted (AA; older notation c.537_538delAA).
Protein change: p.Ile180_Ser181insTer.
Molecular consequence: frameshift variant.
Genome position (GRCh38, 1-based): chr19:35,850,434-35,850,435, TT deleted on the plus strand (AA on the coding strand, the reverse complement: NPHS1 is on the minus strand). VCF-style (leftmost placement, unchanged base first): chr19-35850433-ATT-A. GRCh37 (hg19) VCF-style: chr19-36341335-ATT-A.
Identifiers: ClinVar variation 5004498 (VCV005004498.1).